The following is an entry in ClinVar:

NM_030665.4(RAI1):c.1265T>A (p.Leu422His)

Gene: RAI1 (retinoic acid induced 1; plus strand). Cytogenetic location: 17p11.2.
Variant type: single nucleotide variant.
Coding change: c.1265T>A on transcript NM_030665.4 (MANE Select); coding-DNA position 1265, T replaced by A.
Protein change: p.Leu422His; replaces leucine 422 with histidine.
Molecular consequence: missense variant.
Genome position (GRCh38, 1-based): chr17:17,794,213, T>A. VCF-style: chr17-17794213-T-A. GRCh37 (hg19) VCF-style: chr17-17697527-T-A.
Other names: c.1265T>A (NM_030665.3); short protein forms L422H.
Identifiers: ClinVar variation 3684003 (VCV003684003.3).

ClinVar aggregate classification (germline): Uncertain significance. Review status: criteria provided, multiple submitters, no conflicts (2 of 4 stars). 2 submissions from 2 submitters: Uncertain significance (2). Last evaluated 2025-04-14.

Conditions:
RAI1-related disorder. Also called: RAI1-related condition.

gnomAD v4.1: 3 of 1,613,294 alleles (0.00019%); highest among the groups gnomAD compares: African/African-American, 0.004%; no homozygotes.

Submissions (2):

PreventionGenetics, part of Exact Sciences
Classification: Uncertain significance for RAI1-related condition. Last evaluated: 2025-04-14. Review status: criteria provided, single submitter. Criteria: ACMG Guidelines, 2015. Collection method: clinical testing. Allele origin: germline.
Comment: The RAI1 c.1265T>A variant is predicted to result in the amino acid substitution p.Leu422His. To our knowledge, this variant has not been reported in the literature. This variant is reported in 0.012% of alleles in individuals of African descent in gnomAD. Although we suspect that this variant may be benign, at this time, the clinical significance of this variant is uncertain due to the absence of conclusive functional and genetic evidence.

Labcorp Genetics (formerly Invitae), Labcorp
Classification: Uncertain significance. Last evaluated: 2024-02-25. Review status: criteria provided, single submitter. Criteria: Invitae Variant Classification Sherloc (09022015). Collection method: clinical testing. Allele origin: germline.
Comment: This sequence change replaces leucine, which is neutral and non-polar, with histidine, which is basic and polar, at codon 422 of the RAI1 protein (p.Leu422His). This variant is present in population databases (rs755790638, gnomAD 0.01%). This variant has not been reported in the literature in individuals affected with RAI1-related conditions. Advanced modeling of protein sequence and biophysical properties (such as structural, functional, and spatial information, amino acid conservation, physicochemical variation, residue mobility, and thermodynamic stability) performed at Invitae indicates that this missense variant is not expected to disrupt RAI1 protein function with a negative predictive value of 80%. In summary, the available evidence is currently insufficient to determine the role of this variant in disease. Therefore, it has been classified as a Variant of Uncertain Significance.